The following is an entry in ClinVar:

ClinVar aggregate classification (germline): Uncertain significance (1 of 4 stars; one submission).

Conditions:
FLCN-related disorder. Also called: FLCN-related condition.

Submission:

PreventionGenetics, part of Exact Sciences
Classification: Uncertain significance for FLCN-related condition. Last evaluated: 2022-12-16. Review status: criteria provided, single submitter. Criteria: ACMG Guidelines, 2015. Collection method: clinical testing. Allele origin: germline.
Comment: The FLCN c.1029A>G is a noncoding alteration. This variant disrupts the final nucleotide of the stop codon (TGA) and changes the stop codon into a tryptophan codon, presumably leading to protein extension (p.*343Trpext*3). However, in an alternative transcript (NM_144997.5), this variant is found within an intronic region (c.871+158A>G). To our knowledge, this variant has not been reported in the literature or in a large population database, indicating this variant is rare. At this time, the clinical significance of this variant is uncertain due to the absence of conclusive functional and genetic evidence.

NM_144997.7(FLCN):c.871+158A>G

Gene: FLCN (folliculin; minus strand). Cytogenetic location: 17p11.2.
Variant type: single nucleotide variant.
Coding change: c.871+158A>G on transcript NM_144997.7 (MANE Select); 158 bases into the intron after coding-DNA position 871, A replaced by G.
Molecular consequence: intron variant. On other transcripts: stop lost (1).
Genome position (GRCh38, 1-based): chr17:17,221,379, T>C on the plus strand (A>G on the coding strand, the complement: FLCN is on the minus strand). VCF-style: chr17-17221379-T-C. GRCh37 (hg19) VCF-style: chr17-17124693-T-C.
Other names: c.1029A>G, p.Ter343Trp (NM_144606.7); c.871+158A>G (NM_001353231.2, NM_001353230.2); c.925+158A>G (NM_001353229.2).
Identifiers: ClinVar variation 2629579 (VCV002629579.1), dbSNP rs201282009, ClinGen allele CA398533205.